The following is an entry in ClinVar:

ClinVar aggregate classification (germline): Pathogenic (1 of 4 stars; one submission).

Conditions:
Deficiency of butyryl-CoA dehydrogenase (ACADSD). Also called: SCADH DEFICIENCY; SCAD Deficiency; SCAD DEFICIENCY, MILD; ACYL-CoA DEHYDROGENASE, SHORT-CHAIN, DEFICIENCY OF; ACADS DEFICIENCY; Short-Chain Acyl-CoA Dehydrogenase Deficiency. Identifiers: Orphanet 26792, MedGen C0342783, MONDO:0008722, OMIM 201470. Disease mechanism: May be benign.

Submission:

Labcorp Genetics (formerly Invitae), Labcorp
Classification: Pathogenic for Deficiency of butyryl-CoA dehydrogenase. Last evaluated: 2024-03-14. Review status: criteria provided, single submitter. Criteria: Invitae Variant Classification Sherloc (09022015). Collection method: clinical testing. Allele origin: germline.
Comment: This sequence change creates a premature translational stop signal (p.Glu36Argfs*27) in the ACADS gene. It is expected to result in an absent or disrupted protein product. Loss-of-function variants in ACADS are known to be pathogenic (PMID: 12736383, 18523805). This variant is not present in population databases (gnomAD no frequency). This variant has not been reported in the literature in individuals affected with ACADS-related conditions. For these reasons, this variant has been classified as Pathogenic.

Literature cited by the submitters: PubMed 12736383; PubMed 18523805.

NM_000017.4(ACADS):c.105dup (p.Glu36fs)

Gene: ACADS (acyl-CoA dehydrogenase short chain; plus strand). Cytogenetic location: 12q24.31.
Variant type: Duplication.
Coding change: c.105dup on transcript NM_000017.4 (MANE Select); coding-DNA position 105, one base duplicated (C; older notation c.105dupC).
Protein change: p.Glu36fs; shifts the reading frame from glutamic acid 36.
Molecular consequence: frameshift variant.
Genome position (GRCh38, 1-based): chr12:120,727,084, C duplicated; the last of 3 consecutive C bases (chr12:120,727,082-120,727,084); duplicating any one gives the same sequence. VCF-style (leftmost placement, unchanged base first): chr12-120727081-G-GC. GRCh37 (hg19) VCF-style: chr12-121164884-G-GC.
Other names: c.105dup, p.Glu36fs (NM_001302554.2); short protein forms E36fs.
Identifiers: ClinVar variation 3646036 (VCV003646036.2).